The following is an entry in ClinVar:

ClinVar aggregate classification (germline): Uncertain significance (1 of 4 stars; one submission).

Conditions:
Inborn genetic diseases. Identifiers: MedGen C0950123, MeSH D030342.

Allele frequency attached by ClinVar (database versions not stated): TOPMed below 0.00001; gnomAD 0.00001.
gnomAD v4.1: 3 of 1,597,818 alleles (0.00019%); highest among the groups gnomAD compares: Non-Finnish European, 0.00026%; no homozygotes.

Submission:

Ambry Genetics
Classification: Uncertain significance for Inborn genetic diseases. Last evaluated: 2022-03-23. Review status: criteria provided, single submitter. Criteria: Ambry Variant Classification Scheme 2023. Collection method: clinical testing. Allele origin: germline.
Comment: The p.Y434C variant (also known as c.1301A>G), located in coding exon 4 of the SMAD6 gene, results from an A to G substitution at nucleotide position 1301. The tyrosine at codon 434 is replaced by cysteine, an amino acid with highly dissimilar properties. This amino acid position is conserved. In addition, this alteration is predicted to be deleterious by in silico analysis. Since supporting evidence is limited at this time, the clinical significance of this alteration remains unclear.

NM_005585.5(SMAD6):c.1301A>G (p.Tyr434Cys)

Gene: SMAD6 (SMAD family member 6; plus strand). Cytogenetic location: 15q22.31.
Variant type: single nucleotide variant.
Coding change: c.1301A>G on transcript NM_005585.5 (MANE Select); coding-DNA position 1301, A replaced by G.
Protein change: p.Tyr434Cys; replaces tyrosine 434 with cysteine.
Molecular consequence: missense variant. On other transcripts: non-coding transcript variant (1).
Genome position (GRCh38, 1-based): chr15:66,781,345, A>G. VCF-style: chr15-66781345-A-G. GRCh37 (hg19) VCF-style: chr15-67073683-A-G.
Other names: short protein forms Y434C.
Identifiers: ClinVar variation 1769415 (VCV001769415.2), dbSNP rs1894567462, ClinGen allele CA393202255.